The following is an entry in ClinVar:

ClinVar aggregate classification (germline): Uncertain significance (1 of 4 stars; one submission).

Conditions:
Hereditary cancer-predisposing syndrome. Also called: Neoplastic Syndromes, Hereditary; Tumor predisposition; Hereditary Cancer Syndrome; Hereditary neoplastic syndrome. Identifiers: Orphanet 140162, MedGen C0027672, MeSH D009386, MONDO:0015356.

Submissions (2):

Color Diagnostics, LLC DBA Color Health
Classification: Uncertain significance for Hereditary cancer-predisposing syndrome. Last evaluated: 2025-07-15. Review status: criteria provided, single submitter. Criteria: ACMG Guidelines, 2015. Collection method: clinical testing. Allele origin: germline.
Comment: This missense variant replaces glycine with serine at codon 1656 of the BRCA1 protein. Computational prediction suggests that this variant may have deleterious impact on protein structure and function. A functional study has reported that this variant does not impact BRCA1 in a haploid cell proliferation assay (PMID: 30209399). To our knowledge, this variant has not been reported in individuals affected with BRCA1-related disorders in the literature. This variant has not been identified in the general population by the Genome Aggregation Database (gnomAD). The available evidence is insufficient to determine the role of this variant in disease conclusively. Therefore, this variant is classified as a Variant of Uncertain Significance.

Brotman Baty Institute, University of Washington
No classification provided (evidence only). Condition: Breast-ovarian cancer, familial 1. Review status: no classification provided. Collection method: in vitro. Allele origin: not applicable. Functional consequence: functionally_normal. Not counted in ClinVar's aggregate classification.
ClinVar note: "not provided" was previously submitted as the classification for the variant. However, the classification appeared to be based only on an observation of functional data so it was converted to no classification on 2025-07-30.

Literature cited by the submitters: PubMed 30209399 (cited by Color Diagnostics, LLC DBA Color Health).

NM_007294.4(BRCA1):c.4966G>A (p.Gly1656Ser)

Gene: BRCA1 (BRCA1 DNA repair associated; minus strand). Cytogenetic location: 17q21.31.
Variant type: single nucleotide variant.
Coding change: c.4966G>A on transcript NM_007294.4 (MANE Select); coding-DNA position 4966, G replaced by A.
Protein change: p.Gly1656Ser; replaces glycine 1656 with serine.
Molecular consequence: missense variant. On other transcripts: non-coding transcript variant (1).
Genome position (GRCh38, 1-based): chr17:43,070,948, C>T on the plus strand (G>A on the coding strand, the complement: BRCA1 is on the minus strand). VCF-style: chr17-43070948-C-T. GRCh37 (hg19) VCF-style: chr17-41222965-C-T.
Other names: c.4750G>A, p.Gly1584Ser (NM_001407916.1, NM_001407917.1, NM_001407918.1 and 1 more transcripts); c.4843G>A, p.Gly1615Ser (NM_001407919.1, NM_001407937.1, NM_001407938.1 and 6 more transcripts); c.4702G>A, p.Gly1568Ser (NM_001407920.1, NM_001407921.1, NM_001407922.1 and 4 more transcripts); c.4699G>A, p.Gly1567Ser (NM_001407931.1, NM_001407932.1, NM_001407933.1 and 4 more transcripts); c.4696G>A, p.Gly1566Ser (NM_001407934.1, NM_001407935.1, NM_001407936.1); c.4840G>A, p.Gly1614Ser (NM_001407939.1, NM_001407675.1, NM_001407676.1 and 11 more transcripts); c.4630G>A, p.Gly1544Ser (NM_001407950.1, NM_001407951.1, NM_001407952.1 and 3 more transcripts); c.4627G>A, p.Gly1543Ser (NM_001407956.1, NM_001407957.1, NM_001407958.1); and 70 more; short protein forms G1609S, G552S, G1656S, G1677S, G1359S, G1528S, G1567S, G1568S.
Identifiers: ClinVar variation 868458 (VCV000868458.4), dbSNP rs2052361087, ClinGen allele CA10591594.